The following is an entry in ClinVar:

ClinVar aggregate classification (germline): Uncertain significance (1 of 4 stars; one submission).

Submission:

Labcorp Genetics (formerly Invitae), Labcorp
Classification: Uncertain significance. Last evaluated: 2021-12-11. Review status: criteria provided, single submitter. Criteria: Invitae Variant Classification Sherloc (09022015). Collection method: clinical testing. Allele origin: germline.
Comment: In summary, the available evidence is currently insufficient to determine the role of this variant in disease. Therefore, it has been classified as a Variant of Uncertain Significance. Variants that disrupt the consensus splice site are a relatively common cause of aberrant splicing (PMID: 17576681, 9536098). Algorithms developed to predict the effect of sequence changes on RNA splicing suggest that this variant may disrupt the consensus splice site. This variant has not been reported in the literature in individuals affected with ERCC6-related conditions. This variant is not present in population databases (gnomAD no frequency). This sequence change falls in intron 12 of the ERCC6 gene. It does not directly change the encoded amino acid sequence of the ERCC6 protein. It affects a nucleotide within the consensus splice site.

Literature cited by the submitters: PubMed 17576681; PubMed 9536098.

NM_000124.4(ERCC6):c.2382+3C>T

Gene: ERCC6 (ERCC excision repair 6, chromatin remodeling factor; minus strand). Cytogenetic location: 10q11.23.
Variant type: single nucleotide variant.
Coding change: c.2382+3C>T on transcript NM_000124.4 (MANE Select); 3 bases into the intron after coding-DNA position 2382, C replaced by T.
Molecular consequence: intron variant.
Genome position (GRCh38, 1-based): chr10:49,476,212, G>A on the plus strand (C>T on the coding strand, the complement: ERCC6 is on the minus strand). VCF-style: chr10-49476212-G-A. GRCh37 (hg19) VCF-style: chr10-50684258-G-A.
Other names: c.2382+3C>T (NM_001346440.2).
Identifiers: ClinVar variation 1920149 (VCV001920149.5), dbSNP rs2495990341, ClinGen allele CA2580081530.
Genomic context (GRCh38, chr10:49,476,212, plus strand): 5'-CTTTTCCTCCCTCACTTCTCTTGGTCCACAATTCATTTCTCCAGCTTCTATTTTTTAGCT[G>A]ACCTGCATCTCTCCATTGAGAATCCTGTAAACTTCTTTGGAATCAACGAAATTTTGGTAG-3'